The following is an entry in ClinVar:

ClinVar aggregate classification (germline): Pathogenic (1 of 4 stars; one submission).

Conditions:
Hereditary nonpolyposis colorectal neoplasms. Identifiers: MedGen C0009405, MeSH D003123.

Submission:

Labcorp Genetics (formerly Invitae), Labcorp
Classification: Pathogenic for Hereditary nonpolyposis colorectal neoplasms. Last evaluated: 2022-08-16. Review status: criteria provided, single submitter. Criteria: Invitae Variant Classification Sherloc (09022015). Collection method: clinical testing. Allele origin: germline.
Comment: This variant is a gross deletion of the genomic region encompassing exon(s) 9-15 of the PMS2 gene. While this deletion is not anticipated to lead to nonsense mediated decay, it is expected to alter mRNA translation or result in a truncated protein product. A similar copy number variant has been observed in individual(s) with colorectal cancer, Lynch syndrome, constitutional mismatch repair deficiency (PMID: 17258725, 21618646, 23629955). The region of the PMS2 gene that includes exon(s) 14-15 has been determined to be clinically significant (PMID: 21618646, 24440087, 26318770). Therefore, deletions that encompass that region are likely to be disease-causing. For these reasons, this variant has been classified as Pathogenic.

Literature cited by the submitters: PubMed 17258725; PubMed 21618646; PubMed 23629955; PubMed 24440087; PubMed 26318770.

NC_000007.14:g.(?_5986753)_(5992063_?)del

Gene: PMS2 (PMS1 homolog 2, mismatch repair system component; minus strand). Cytogenetic location: 7p22.1.
Variant type: Deletion.
Identifiers: ClinVar variation 455093 (VCV000455093.2).